The following is an entry in ClinVar:

NM_000330.4(RS1):c.329G>A (p.Cys110Tyr)

Genes: CDKL5 (cyclin dependent kinase like 5; plus strand), RS1 (retinoschisin 1; minus strand). Cytogenetic location: Xp22.13.
Variant type: single nucleotide variant.
Coding change: c.329G>A on transcript NM_000330.4 (MANE Select); coding-DNA position 329, G replaced by A.
Protein change: p.Cys110Tyr; replaces cysteine 110 with tyrosine.
Molecular consequence: missense variant. On other transcripts: intron variant (2).
Genome position (GRCh38, 1-based): chrX:18,644,623, C>T on the plus strand (G>A on the coding strand, the complement: RS1 is on the minus strand). VCF-style: chrX-18644623-C-T. GRCh37 (hg19) VCF-style: chrX-18662743-C-T.
Other names: NM_000330.4(RS1):c.329G>A; c.2714-1384C>T (NM_003159.3, NM_001037343.2); short protein forms C110Y.
Identifiers: ClinVar variation 98938 (VCV000098938.15), dbSNP rs61752075, ClinGen allele CA226686.
Genomic context (GRCh38, chrX:18,644,623, plus strand): 5'-ATCTCCTTCAGATCTATCTGTAACCACTGGCTACTGTCCTGGAACTTGGAGAGCCAGGCA[C>T]ACCTGCCGAGAACATACCGAGTCACCGAGAGACTCCCCCTGTGCATGTCTGCAAAAAGCC-3'
Protein context (NP_000321.1, residues 100-120): KARLNSQGFG[Cys110Tyr]AWLSKFQDSS

ClinVar aggregate classification (germline): Pathogenic. Review status: reviewed by expert panel (3 of 4 stars). 6 submissions from 6 submitters: Pathogenic (1). 5 of the submissions do not count toward it. Last evaluated 2025-10-04.

Conditions:
RS1-related disorder. Also called: RS1-related condition.
Juvenile retinoschisis (RS1). Also called: X-Linked Juvenile Retinoschisis; X-linked retinoschisis. Identifiers: Orphanet 792, MedGen C3714753, MONDO:0010725, OMIM 312700.
Retinoschisis. Identifiers: MedGen C0152439, MONDO:0004579, HP:0030502.

Allele frequency attached by ClinVar (database versions not stated): gnomAD exomes below 0.00001.
gnomAD v4.1: 1 of 1,210,595 alleles (0.000083%); highest among the groups gnomAD compares: Non-Finnish European, 0.00011%; no homozygotes.

Submissions (6):

ClinGen X-linked Inherited Retinal Disease Variant Curation Expert Panel, ClinGen
Classification: Pathogenic for Juvenile retinoschisis. Last evaluated: 2025-10-04. Review status: reviewed by expert panel. Criteria: ClinGen X LinkedIRD ACMG Specifications RS1 V1.0.0. Collection method: curation. Allele origin: germline. Inheritance: X-linked inheritance.
Comment: NM_000330.4(RS1):c.329G>A (p.Cys110Tyr) is a missense encoding the substitution of cysteine with tyrosine at amino acid 110, which is a critical amino acid residue involved in disulfide bridge formation as defined by the ClinGen X-linked IRD VCEP (PMID: 26812435, PM1_Strong). This variant is absent from hemizygous individuals in gnomAD v4.1.0 (PM2_Supporting). This variant has been reported in at least 6 apparently unrelated probands meeting the PS4 requirement of a male diagnosed with X-linked retinoschisis (PMID: 9618178, PMID: 28348004, PMID: 34822951, PMID: 38219857, PMID: 30551202, PMID: 31456290, PMID: 35456422, PMID: 34645606, PS4). The variant has been reported to segregate with X-linked retinoschisis through two affected brothers from a single family (PP1; PMID: 32856788, PMID: 35456422). The computational predictor REVEL gives a score of 0.882, which is within the ClinGen X-linked IRD VCEP range between 0.931 to 0.773 and predicts a damaging effect on RS1 function. PP3_Moderate is not met as the code is ineligible to be used in combination with PM1_Strong. The computational splicing predictor SpliceAI gives a delta score of <0.02 for all predictive splice changes, which is below the ClinGen X-linked IRD VCEP threshold of >0.2 and does not predict that the variant disrupts RS1 splicing. HEK293 cells exogenously expressing the variant exhibit loss of RS1 secretion into the medium relative to the wild-type control due to intracellular retention and failure of the variant protein to properly assemble into multimers (PMID: 19849666, PS3_Supporting). In summary, this variant is classified as likely pathogenic for X-linked retinoschisis based on the ClinGen X-linked Inherited Retinal Disease Expert Panel Specifications to the ACMG/AMP Variant Interpretation Guidelines for RS1 Version 1.0.0: PM2_Supporting, PM1_Strong, PS3_Supporting, PS4, and PP1.

Women's Health and Genetics/Laboratory Corporation of America, LabCorp
Classification: Pathogenic for Juvenile retinoschisis. Last evaluated: 2026-01-20. Review status: criteria provided, single submitter. Criteria: LabCorp Variant Classification Summary - May 2015. Collection method: clinical testing. Allele origin: germline. Not counted in ClinVar's aggregate classification.
Comment: Variant summary: RS1 c.329G>A (p.Cys110Tyr) results in a non-conservative amino acid change in the encoded protein sequence. Algorithms developed to predict the effect of missense changes on protein structure and function all suggest that this variant is likely to be disruptive. Several computational tools predict a significant impact on normal splicing: One predicts the variant creates a 5' donor site. Two predict the variant strengthens a cryptic 5' donor site. One predicts the variant abolishes a 3' acceptor site. However, these predictions have yet to be confirmed by functional studies. The frequency data for this variant in gnomAD is considered unreliable, as metrics indicate poor data quality at this position. c.329G>A has been observed in the hemizygous state in multiple individuals affected with Juvenile Retinoschisis (example, Pennesi_2018, Retinoschisis Consortium_1998, Zhu_2022). These data indicate that the variant is very likely to be associated with disease. At least one publication reports experimental evidence evaluating an impact on protein function in vitro. The most pronounced variant effect results in a severe defect in protein secretion (example, Wang_2006). The following publications have been ascertained in the context of this evaluation (PMID: 16361673, 30551202, 9618178, 35456422). ClinVar contains an entry for this variant (Variation ID: 98938). Based on the evidence outlined above, the variant was classified as pathogenic.

Labcorp Genetics (formerly Invitae), Labcorp
Classification: Pathogenic. Last evaluated: 2022-10-03. Review status: criteria provided, single submitter. Criteria: Invitae Variant Classification Sherloc (09022015). Collection method: clinical testing. Allele origin: germline. Not counted in ClinVar's aggregate classification.
Comment: Algorithms developed to predict the effect of missense changes on protein structure and function are either unavailable or do not agree on the potential impact of this missense change (SIFT: "Tolerated"; PolyPhen-2: "Probably Damaging"; Align-GVGD: "Class C0"). ClinVar contains an entry for this variant (Variation ID: 98938). This missense change has been observed in individuals with X-linked retinoschisis (PMID: 9618178, 23453514, 30551202). This variant is not present in population databases (gnomAD no frequency). For these reasons, this variant has been classified as Pathogenic. Experimental studies have shown that this missense change affects RS1 function (PMID: 16361673, 19849666). This sequence change replaces cysteine, which is neutral and slightly polar, with tyrosine, which is neutral and polar, at codon 110 of the RS1 protein (p.Cys110Tyr).

Blueprint Genetics
Classification: Pathogenic for RS1-related disorders. Last evaluated: 2022-03-19. Review status: criteria provided, single submitter. Criteria: ACMG Guidelines, 2015. Collection method: clinical testing. Allele origin: germline. Affected: yes. Observed: 5 variant alleles. Not counted in ClinVar's aggregate classification.

Sharon lab, Hadassah-Hebrew University Medical Center
Classification: Likely pathogenic for retinoschisis. Last evaluated: 2019-06-23. Review status: no assertion criteria provided. Collection method: research. Allele origin: inherited. Affected: yes. Not counted in ClinVar's aggregate classification.

Retina International
No classification provided. Review status: no classification provided. Collection method: not provided. Allele origin: unknown. Not counted in ClinVar's aggregate classification.

Literature cited by the submitters: PubMed 35456422 (cited by Women's Health and Genetics/Laboratory Corporation of America, LabCorp); PubMed 16361673 (cited by Women's Health and Genetics/Laboratory Corporation of America, LabCorp and Labcorp Genetics (formerly Invitae), Labcorp); PubMed 30551202 (cited by Women's Health and Genetics/Laboratory Corporation of America, LabCorp and Labcorp Genetics (formerly Invitae), Labcorp); PubMed 9618178 (cited by Labcorp Genetics (formerly Invitae), Labcorp); PubMed 23453514 (cited by Labcorp Genetics (formerly Invitae), Labcorp); PubMed 19849666 (cited by Labcorp Genetics (formerly Invitae), Labcorp).